The following is an entry in ClinVar:

ClinVar aggregate classification (germline): Uncertain significance (1 of 4 stars; one submission).

Conditions:
Long QT syndrome (LQTS). Identifiers: MedGen C0023976, MeSH D008133, MONDO:0002442. Disease mechanism: loss of function. Inheritance: Various modes of inheritance.

Submission:

Labcorp Genetics (formerly Invitae), Labcorp
Classification: Uncertain significance for Long QT syndrome. Last evaluated: 2018-12-13. Review status: criteria provided, single submitter. Criteria: Invitae Variant Classification Sherloc (09022015). Collection method: clinical testing. Allele origin: germline.
Comment: This sequence change deletes 25 nucleotides from exon 14 of the KCNH2 mRNA (c.3279_3303del25), causing a frameshift at codon 1094. This creates a premature translational stop signal in the last exon of the KCNH2 mRNA (p.Leu1094Profs*153). While this is not anticipated to result in nonsense mediated decay, it is expected to disrupt the last 66 amino acids of the KCNH2 protein and to extend the length of the protein by an additional 86 amino acids. This variant is not present in population databases (ExAC no frequency) and has not been reported in the literature in individuals with a KCNH2-related disease. Experimental studies have not been reported for this variant and it is currently unknown if the last 66 amino acids of the KCNH2 protein are critical for its function, and the impact of the addition of the 86 amino acids is also unknown. In summary, this variant is a novel deletion with uncertain impact on protein function. It has been classified as a Variant of Uncertain Significance.

NM_000238.4(KCNH2):c.3279_3303del (p.Leu1094fs)

Gene: KCNH2 (potassium voltage-gated channel subfamily H member 2; minus strand). Cytogenetic location: 7q36.1.
Variant type: Deletion.
Coding change: c.3279_3303del on transcript NM_000238.4 (MANE Select); coding-DNA positions 3279 to 3303, 25 bases deleted (GCTGTTGCCCGTCAGCCCCCTCCCC).
Protein change: p.Leu1094fs; shifts the reading frame from leucine 1094.
Molecular consequence: frameshift variant.
Genome position (GRCh38, 1-based): chr7:150,946,904-150,946,928, GGGGAGGGGGCTGACGGGCAACAGC deleted on the plus strand (GCTGTTGCCCGTCAGCCCCCTCCCC on the coding strand, the reverse complement: KCNH2 is on the minus strand); deleting any 25 consecutive bases within chr7:150,946,904-150,946,933 gives the same sequence; the c. name uses the placement nearest the transcript's 3' end. VCF-style (leftmost placement, unchanged base first): chr7-150946903-TGGGGAGGGGGCTGACGGGCAACAGC-T. GRCh37 (hg19) VCF-style: chr7-150643991-TGGGGAGGGGGCTGACGGGCAACAGC-T.
Other names: c.2259_2283del, p.Leu754fs (NM_172057.3); c.3279_3303delGCTGTTGCCCGTCAGCCCCCTCCCC (NM_000238.3); short protein forms L1094fs, L754fs.
Identifiers: ClinVar variation 456926 (VCV000456926.9), dbSNP rs1554423720, ClinGen allele CA658656007.